The following is an entry in ClinVar:

ClinVar aggregate classification (germline): Benign. Review status: criteria provided, multiple submitters, no conflicts (2 of 4 stars). 2 submissions from 2 submitters: Benign (2). Last evaluated 2026-01-08.

Conditions:
CDSN-related disorder. Also called: CDSN-related condition.

Allele frequency attached by ClinVar (database versions not stated): ESP Exome Variant Server 0.00008; TOPMed 0.00042; gnomAD 0.00174; ExAC 0.00727; 1000 Genomes Project 30x 0.00874; 1000 Genomes Project 0.00958.
gnomAD v4.1: 3,131 of 1,593,800 alleles (0.2%); highest among the groups gnomAD compares: South Asian, 3.2%; 97 homozygotes.

Submissions (4):

Labcorp Genetics (formerly Invitae), Labcorp
Classification: Benign. Last evaluated: 2026-01-08. Review status: criteria provided, single submitter. Criteria: Invitae Variant Classification Sherloc (09022015). Collection method: clinical testing. Allele origin: germline.

PreventionGenetics, part of Exact Sciences
Classification: Benign for CDSN-related condition. Last evaluated: 2025-02-27. Review status: criteria provided, single submitter. Criteria: ACMG Guidelines, 2015. Collection method: clinical testing. Allele origin: germline.
Comment: This variant is classified as benign based on ACMG/AMP sequence variant interpretation guidelines (Richards et al. 2015 PMID: 25741868, with internal and published modifications).

Dr. Peter K. Rogan Lab, Western University
No classification provided (evidence only). Condition: Cervical cancer. Review status: no classification provided. Collection method: in vitro. Allele origin: not applicable. Functional consequence: retained intron. Not counted in ClinVar's aggregate classification.

Dr. Peter K. Rogan Lab, Western University
No classification provided (evidence only). Condition: Gastric cancer. Review status: no classification provided. Collection method: in vitro. Allele origin: not applicable. Functional consequence: retained intron. Not counted in ClinVar's aggregate classification.

NM_001264.5(CDSN):c.32G>A (p.Arg11His)

Genes: CDSN (corneodesmosin; minus strand), PSORS1C1 (psoriasis susceptibility 1 candidate 1; plus strand). Cytogenetic location: 6p21.33.
Variant type: single nucleotide variant.
Coding change: c.32G>A on transcript NM_001264.5 (MANE Select); coding-DNA position 32, G replaced by A.
Protein change: p.Arg11His; replaces arginine 11 with histidine.
Molecular consequence: missense variant. On other transcripts: intron variant (1).
Genome position (GRCh38, 1-based): chr6:31,120,388, C>T on the plus strand (G>A on the coding strand, the complement: CDSN is on the minus strand). VCF-style: chr6-31120388-C-T. GRCh37 (hg19) VCF-style: chr6-31088165-C-T.
Other names: c.-228-5288C>T (NM_014068.3); c.32G>A (NM_001264.4); short protein forms R11H.
Identifiers: ClinVar variation 2057245 (VCV002057245.6), dbSNP rs371334209, ClinGen allele CA3708588.